The following is an entry in ClinVar:

ClinVar aggregate classification (germline): Likely benign. Review status: criteria provided, single submitter (1 of 4 stars). 2 submissions from 2 submitters: Likely benign (1). 1 of the submissions does not count toward it. Last evaluated 2023-11-09.

Conditions:
GALE-related disorder. Also called: GALE-related condition.
UDPglucose-4-epimerase deficiency. Also called: Epimerase Deficiency Galactosemia; GALACTOSEMIA III; GALE DEFICIENCY; UDP-GALACTOSE-4-EPIMERASE DEFICIENCY; Galactose epimerase deficiency; UDPglucose 4-Epimerase Deficiency Disease. Identifiers: Orphanet 352, Orphanet 79238, MedGen C0751161, MONDO:0009257, OMIM 230350.

Allele frequency attached by ClinVar (database versions not stated): ExAC 0.00005; gnomAD exomes 0.00006; TOPMed 0.00006; gnomAD 0.00007; ESP Exome Variant Server 0.00015.
gnomAD v4.1: 96 of 1,613,938 alleles (0.0059%); highest among the groups gnomAD compares: Non-Finnish European, 0.0075%; no homozygotes.

Submissions (2):

Labcorp Genetics (formerly Invitae), Labcorp
Classification: Likely benign for UDPglucose-4-epimerase deficiency. Last evaluated: 2023-11-09. Review status: criteria provided, single submitter. Criteria: Invitae Variant Classification Sherloc (09022015). Collection method: clinical testing. Allele origin: germline.

PreventionGenetics, part of Exact Sciences
Classification: Likely benign for GALE-related condition. Last evaluated: 2019-09-06. Review status: no assertion criteria provided. Collection method: clinical testing. Allele origin: germline. Not counted in ClinVar's aggregate classification.
Comment: This variant is classified as likely benign based on ACMG/AMP sequence variant interpretation guidelines (Richards et al. 2015 PMID: 25741868, with internal and published modifications).

NM_001008216.2(GALE):c.1014G>A (p.Lys338=)

Gene: GALE (UDP-galactose-4-epimerase; minus strand). Cytogenetic location: 1p36.11.
Variant type: single nucleotide variant.
Coding change: c.1014G>A on transcript NM_001008216.2 (MANE Select); coding-DNA position 1014, G replaced by A.
Protein change: p.Lys338=; no amino-acid change (lysine 338 retained).
Molecular consequence: synonymous variant.
Genome position (GRCh38, 1-based): chr1:23,795,982, C>T on the plus strand (G>A on the coding strand, the complement: GALE is on the minus strand). VCF-style: chr1-23795982-C-T. GRCh37 (hg19) VCF-style: chr1-24122472-C-T.
Other names: c.1014G>A, p.Lys338= (NM_000403.4, NM_001127621.2); c.1014G>A (NM_000403.3).
Identifiers: ClinVar variation 2806211 (VCV002806211.5), dbSNP rs138680803, ClinGen allele CA685395.